The following is an entry in ClinVar:

ClinVar aggregate classification (germline): Uncertain significance (1 of 4 stars; one submission).

Submission:

GeneDx
Classification: Uncertain significance. Last evaluated: 2025-01-14. Review status: criteria provided, single submitter. Criteria: GeneDx Variant Classification Process June 2021. Collection method: clinical testing. Allele origin: germline. Affected: yes.
Comment: Not observed at significant frequency in large population cohorts (gnomAD); In silico analysis supports that this missense variant has a deleterious effect on protein structure/function; Has not been previously published as pathogenic or benign to our knowledge

NM_201599.3(ZMYM3):c.142C>T (p.Pro48Ser)

Gene: ZMYM3 (zinc finger MYM-type containing 3; minus strand). Cytogenetic location: Xq13.1.
Variant type: single nucleotide variant.
Coding change: c.142C>T on transcript NM_201599.3 (MANE Select); coding-DNA position 142, C replaced by T.
Protein change: p.Pro48Ser; replaces proline 48 with serine.
Molecular consequence: missense variant.
Genome position (GRCh38, 1-based): chrX:71,253,114, G>A on the plus strand (C>T on the coding strand, the complement: ZMYM3 is on the minus strand). VCF-style: chrX-71253114-G-A. GRCh37 (hg19) VCF-style: chrX-70472964-G-A.
Other names: c.142C>T, p.Pro48Ser (NM_001171162.1, NM_001171163.1, NM_005096.3); short protein forms P48S.
Identifiers: ClinVar variation 4056988 (VCV004056988.1).